The following is an entry in ClinVar:

NM_022772.4(EPS8L2):c.1128C>T (p.Ala376=)

Gene: EPS8L2 (EPS8 signaling adaptor L2; plus strand). Cytogenetic location: 11p15.5.
Variant type: single nucleotide variant.
Coding change: c.1128C>T on transcript NM_022772.4 (MANE Select); coding-DNA position 1128, C replaced by T.
Protein change: p.Ala376=; no amino-acid change (alanine 376 retained).
Molecular consequence: synonymous variant.
Genome position (GRCh38, 1-based): chr11:722,469, C>T. VCF-style: chr11-722469-C-T. GRCh37 (hg19) VCF-style: chr11-722469-C-T.
Other names: c.1128C>T (NM_022772.3).
Identifiers: ClinVar variation 2192837 (VCV002192837.29), dbSNP rs770873508, ClinGen allele CA5787511.

ClinVar aggregate classification (germline): Likely benign. Review status: criteria provided, multiple submitters, no conflicts (2 of 4 stars). 3 submissions from 3 submitters: Likely benign (2). 1 of the submissions does not count toward it. Last evaluated 2023-02-01.

Conditions:
EPS8L2-related disorder. Also called: EPS8L2-related condition.

Allele frequency attached by ClinVar (database versions not stated): TOPMed 0.00001.
gnomAD v4.1: 42 of 1,613,396 alleles (0.0026%); highest among the groups gnomAD compares: East Asian, 0.0089%; no homozygotes.

Submissions (3):

CeGaT Center for Human Genetics Tuebingen
Classification: Likely benign. Last evaluated: 2023-02-01. Review status: criteria provided, single submitter. Criteria: CeGaT Center For Human Genetics Tuebingen Variant Classification Criteria Version 2. Collection method: clinical testing. Allele origin: germline. Affected: yes. Observed: 1 variant allele.
Comment: EPS8L2: BP4, BP7

Labcorp Genetics (formerly Invitae), Labcorp
Classification: Likely benign. Last evaluated: 2022-12-06. Review status: criteria provided, single submitter. Criteria: Invitae Variant Classification Sherloc (09022015). Collection method: clinical testing. Allele origin: germline.

PreventionGenetics, part of Exact Sciences
Classification: Likely benign for EPS8L2-related condition. Last evaluated: 2020-10-06. Review status: no assertion criteria provided. Collection method: clinical testing. Allele origin: germline. Not counted in ClinVar's aggregate classification.
Comment: This variant is classified as likely benign based on ACMG/AMP sequence variant interpretation guidelines (Richards et al. 2015 PMID: 25741868, with internal and published modifications).